The following is an entry in ClinVar:

NM_000535.7(PMS2):c.2208del (p.Ala737fs)

Gene: PMS2 (PMS1 homolog 2, mismatch repair system component; minus strand). Cytogenetic location: 7p22.1.
Variant type: Deletion.
Coding change: c.2208del on transcript NM_000535.7 (MANE Select); coding-DNA position 2208, one base deleted (A; older notation c.2208delA).
Protein change: p.Ala737fs; shifts the reading frame from alanine 737.
Molecular consequence: frameshift variant. On other transcripts: non-coding transcript variant (1).
Genome position (GRCh38, 1-based): chr7:5,978,663, T deleted on the plus strand (A on the coding strand, the reverse complement: PMS2 is on the minus strand); the first of 2 consecutive T bases (chr7:5,978,663-5,978,664); deleting either gives the same sequence. VCF-style (leftmost placement, unchanged base first): chr7-5978662-CT-C. GRCh37 (hg19) VCF-style: chr7-6018293-CT-C.
Other names: c.1803del, p.Ala602fs (NM_001322003.2, NM_001322004.2, NM_001322005.2 and 1 more transcripts); c.2052del, p.Ala685fs (NM_001322006.2); c.1890del, p.Ala631fs (NM_001322007.2, NM_001322008.2); c.1647del, p.Ala550fs (NM_001322010.2); c.1275del, p.Ala426fs (NM_001322011.2, NM_001322012.2); c.1635del, p.Ala546fs (NM_001322013.2); c.2208del, p.Ala737fs (NM_001322014.2); c.1899del, p.Ala634fs (NM_001322015.2); short protein forms A426fs, A546fs, A550fs, A602fs, A631fs, A634fs, A685fs, A737fs.
Identifiers: ClinVar variation 1068926 (VCV001068926.11), dbSNP rs2128683310, ClinGen allele CA2499218957.

ClinVar aggregate classification (germline): Pathogenic. Review status: criteria provided, multiple submitters, no conflicts (2 of 4 stars). 3 submissions from 3 submitters: Pathogenic (3). Last evaluated 2025-11-07.

Conditions:
Hereditary nonpolyposis colorectal neoplasms. Identifiers: MedGen C0009405, MeSH D003123.
Hereditary cancer-predisposing syndrome. Also called: Hereditary neoplastic syndrome; Tumor predisposition; Hereditary Cancer Syndrome; Neoplastic Syndromes, Hereditary. Identifiers: Orphanet 140162, MedGen C0027672, MeSH D009386, MONDO:0015356.
Lynch syndrome 4 (LYNCH4). Also called: Colorectal cancer, hereditary nonpolyposis, type 4; Hereditary non-polyposis colorectal cancer, type 4. Identifiers: Orphanet 144, MedGen C1838333, MONDO:0013699, OMIM 614337. Disease mechanism: loss of function.

Submissions (3):

Ambry Genetics
Classification: Pathogenic for Hereditary cancer-predisposing syndrome. Last evaluated: 2025-11-07. Review status: criteria provided, single submitter. Criteria: Ambry Variant Classification Scheme 2023. Collection method: clinical testing. Allele origin: germline.
Comment: The c.2208delA (p.A737Lfs*3) alteration, located in exon 13 (coding exon 13) of the PMS2 gene, consists of a deletion of one nucleotide at position 2208, causing a translational frameshift with a predicted alternate stop codon after 3 amino acids. This alteration is expected to result in loss of function by premature protein truncation or nonsense-mediated mRNA decay. This variant was not reported in population-based cohorts in the Genome Aggregation Database (gnomAD). Based on the available evidence, this alteration is classified as pathogenic.

Labcorp Genetics (formerly Invitae), Labcorp
Classification: Pathogenic for Hereditary nonpolyposis colorectal neoplasms. Last evaluated: 2025-06-19. Review status: criteria provided, single submitter. Criteria: Invitae Variant Classification Sherloc (09022015). Collection method: clinical testing. Allele origin: germline.
Comment: This sequence change creates a premature translational stop signal (p.Ala737Leufs*3) in the PMS2 gene. It is expected to result in an absent or disrupted protein product. Loss-of-function variants in PMS2 are known to be pathogenic (PMID: 21376568, 24362816). The frequency data for this variant in the population databases (gnomAD) is considered unreliable due to the presence of homologous sequence, such as pseudogenes or paralogs, in the genome. This variant has not been reported in the literature in individuals affected with PMS2-related conditions. ClinVar contains an entry for this variant (Variation ID: 1068926). For these reasons, this variant has been classified as Pathogenic.

Myriad Genetics, Inc.
Classification: Pathogenic for Lynch syndrome 4. Last evaluated: 2024-09-24. Review status: criteria provided, single submitter. Criteria: Myriad Autosomal Dominant, Autosomal Recessive and X-Linked Classification Criteria (2023). Collection method: clinical testing. Allele origin: unknown.
Comment: This variant is considered pathogenic. This variant creates a frameshift predicted to result in premature protein truncation.

Literature cited by the submitters: PubMed 21376568 (cited by Labcorp Genetics (formerly Invitae), Labcorp); PubMed 24362816 (cited by Labcorp Genetics (formerly Invitae), Labcorp).